The following is an entry in ClinVar:

NM_007294.3(BRCA1):c.-19-3286_-19-251del3036insAT

Genes: BRCA1 (BRCA1 DNA repair associated; minus strand), NBR2 (neighbor of BRCA1 lncRNA 2; plus strand), LOC111589215 (BRCA1 promoter region; plus strand). Cytogenetic location: 17q21.31.
Variant type: Indel.
Coding change: c.-19-3286_-19-251del3036insAT on transcript NM_007294.3; 3286 bases into the intron before 19 bases upstream of the start codon through 251 bases into the intron before 19 bases upstream of the start codon, this stretch deleted.
Molecular consequence: intron variant (on NM_001408458.1).
Genome position: GRCh38: chr17:43,124,366-43,127,401. GRCh37 (hg19): chr17:41,276,383-41,279,418.
Other names: c.-61-11622_-61-8587delinsAT (NM_001408458.1).
Identifiers: ClinVar variation 4842651 (VCV004842651.1).

ClinVar aggregate classification (germline): Uncertain significance (1 of 4 stars; one submission).

Conditions:
Hereditary cancer-predisposing syndrome. Also called: Tumor predisposition; Hereditary neoplastic syndrome; Hereditary Cancer Syndrome; Neoplastic Syndromes, Hereditary. Identifiers: Orphanet 140162, MedGen C0027672, MeSH D009386, MONDO:0015356.

Submission:

Ambry Genetics
Classification: Uncertain significance for Hereditary cancer-predisposing syndrome. Last evaluated: 2025-12-16. Review status: criteria provided, single submitter. Criteria: Ambry Variant Classification Scheme 2023. Collection method: clinical testing. Allele origin: germline.
Comment: This complex copy number gain includes portions of the BRCA1 gene. The precise description and location of this variant was not determined. Clinical correlation is advised. The copy number gain includes BRCA1 5'UTRdup (partial), EX3_EX6dup, EX19_3'UTRdup, and a higher copy number gain of BRCA1 5'UTR_EX2 (partial). Although copy number gains are likely to occur in tandem, gains that include the UTR are expected to have intact full gene sequences (Richardson ME et al. Genet. Med. 2019 03;21(3):683-693; Newman S et al. Am J Hum Genet. 2015 Feb 5;96(2):208-20). It is unknown whether this alteration impacts protein sequence or otherwise affects transcriptional/translational regulatory elements. Based on the available evidence, the clinical significance of this variant remains unclear.